The following is an entry in ClinVar:

NM_022081.6(HPS4):c.404T>G (p.Leu135Arg)

Gene: HPS4 (HPS4 biogenesis of lysosomal organelles complex 3 subunit 2; minus strand). Cytogenetic location: 22q12.1.
Variant type: single nucleotide variant.
Coding change: c.404T>G on transcript NM_022081.6 (MANE Select); coding-DNA position 404, T replaced by G.
Protein change: p.Leu135Arg; replaces leucine 135 with arginine.
Molecular consequence: missense variant. On other transcripts: non-coding transcript variant (8).
Genome position (GRCh38, 1-based): chr22:26,472,399, A>C on the plus strand (T>G on the coding strand, the complement: HPS4 is on the minus strand). VCF-style: chr22-26472399-A-C. GRCh37 (hg19) VCF-style: chr22-26868365-A-C.
Other names: c.404T>G, p.Leu135Arg (NM_001349896.1, NM_001349898.2, NM_001349899.2 and 7 more transcripts); c.389T>G, p.Leu130Arg (NM_152841.2); short protein forms L135R, L130R.
Identifiers: ClinVar variation 3005495 (VCV003005495.3), dbSNP rs2518473088, ClinGen allele CA411031248.
Genomic context (GRCh38, chr22:26,472,399, plus strand): 5'-TTATGCAGATCACTGGTGTTTTTCAGAATTTGCTCGATGAAGGTGTCCCACTCCGTGCTC[A>C]GTTCTTCCTGAGAACAGTTCTAAAACAGAAAGAGCCTCAGGTCAATATCTGAGATTTTGA-3'
Protein context (NP_071364.4, residues 125-145): LAYENCSQEE[Leu135Arg]STEWDTFIEQ

ClinVar aggregate classification (germline): Uncertain significance (1 of 4 stars; one submission).

Allele frequency attached by ClinVar (database versions not stated): gnomAD exomes below 0.00001.
gnomAD v4.1: 2 of 1,609,846 alleles (0.00012%); highest among the groups gnomAD compares: Non-Finnish European, 0.00017%; no homozygotes.

Submission:

Labcorp Genetics (formerly Invitae), Labcorp
Classification: Uncertain significance. Last evaluated: 2024-01-11. Review status: criteria provided, single submitter. Criteria: Invitae Variant Classification Sherloc (09022015). Collection method: clinical testing. Allele origin: germline.
Comment: This sequence change replaces leucine, which is neutral and non-polar, with arginine, which is basic and polar, at codon 135 of the HPS4 protein (p.Leu135Arg). This variant is not present in population databases (gnomAD no frequency). This variant has not been reported in the literature in individuals affected with HPS4-related conditions. An algorithm developed to predict the effect of missense changes on protein structure and function (PolyPhen-2) suggests that this variant is likely to be disruptive. In summary, the available evidence is currently insufficient to determine the role of this variant in disease. Therefore, it has been classified as a Variant of Uncertain Significance.